The following is an entry in ClinVar:

ClinVar aggregate classification (germline): Uncertain significance. Review status: criteria provided, multiple submitters, no conflicts (2 of 4 stars). 4 submissions from 4 submitters: Uncertain significance (4). Last evaluated 2026-03-13.

Conditions:
Floating-Harbor syndrome (FLHS). Also called: Short stature with delayed bone age, expressive language delay, a triangular face with a prominent nose and deep-set eyes; Pelletier-Leisti syndrome; SRCAP-Related Floating-Harbor Syndrome. Identifiers: Orphanet 2044, MedGen C0729582, MONDO:0007621, OMIM 136140.
Developmental delay, hypotonia, musculoskeletal defects, and behavioral abnormalities. Identifiers: MedGen C5562012, MONDO:0859202, OMIM 619595.

Allele frequency attached by ClinVar (database versions not stated): gnomAD 0.00001; gnomAD exomes 0.00001; ExAC 0.00002; TOPMed 0.00003.
gnomAD v4.1: 14 of 1,613,970 alleles (0.00087%); highest among the groups gnomAD compares: East Asian, 0.016%; no homozygotes.

Submissions (4):

Women's Health and Genetics/Laboratory Corporation of America, LabCorp
Classification: Uncertain significance. Last evaluated: 2026-03-13. Review status: criteria provided, single submitter. Criteria: LabCorp Variant Classification Summary - May 2015. Collection method: clinical testing. Allele origin: germline.
Comment: Variant summary: SRCAP c.9236G>A (p.Arg3079Gln) results in a conservative amino acid change in the encoded protein sequence. Algorithms developed to predict the effect of missense changes on protein structure and function are either unavailable or do not agree on the potential impact of this missense change. The variant allele was found at a frequency of 1.6e-05 in 251172 control chromosomes. The available data on variant occurrences in the general population are insufficient to allow any conclusion about variant significance. To our knowledge, no occurrence of c.9236G>A in individuals affected with SRCAP-related conditions and no experimental evidence demonstrating its impact on protein function have been reported. ClinVar contains an entry for this variant (Variation ID: 1929412). Based on the evidence outlined above, the variant was classified as uncertain significance.

Pittsburgh Clinical Genomics Laboratory, University of Pittsburgh Medical Center
Classification: Uncertain significance for Developmental delay, hypotonia, musculoskeletal defects, and behavioral abnormalities. Last evaluated: 2022-10-25. Review status: criteria provided, single submitter. Criteria: ACMG Guidelines, 2015. Collection method: clinical testing. Allele origin: germline. Inheritance: Autosomal dominant inheritance. Affected: yes.
Comment: This sequence variant is a single nucleotide substitution (G>A) at coding position 9236 of the SRCAP gene that results in an arginine to glutamine amino acid change at residue 3079 of the SRCAP protein. This variant has not been previously reported in databases of clinically annotated variants (ClinVar) or in the literature in individuals with SRCAP-related disease, to our knowledge. This variant is present in control population datasets (gnomAD database 4 of 251172 alleles or 0.0016%). Multiple bioinformatic tools predict that this variant would be tolerated. However, the Arg3079 residue is highly conserved across the mammalian species examined. Functiol studies testing the effect of this variant have not been performed, to our knowledge. At this time there is insufficient evidence to determine if this variant is pathogenic or benign. Therefore, we consider this a variant of uncertain significance. ACMG Criteria: BP1, BP4, PM2

Labcorp Genetics (formerly Invitae), Labcorp
Classification: Uncertain significance. Last evaluated: 2022-07-26. Review status: criteria provided, single submitter. Criteria: Invitae Variant Classification Sherloc (09022015). Collection method: clinical testing. Allele origin: germline.
Comment: In summary, the available evidence is currently insufficient to determine the role of this variant in disease. Therefore, it has been classified as a Variant of Uncertain Significance. Algorithms developed to predict the effect of missense changes on protein structure and function are either unavailable or do not agree on the potential impact of this missense change (SIFT: "Deleterious"; PolyPhen-2: "Not Available"; Align-GVGD: "Class C0"). This variant has not been reported in the literature in individuals affected with SRCAP-related conditions. This variant is present in population databases (rs773525515, gnomAD 0.02%). This sequence change replaces arginine, which is basic and polar, with glutamine, which is neutral and polar, at codon 3079 of the SRCAP protein (p.Arg3079Gln).

Juno Genomics, Hangzhou Juno Genomics, Inc
Classification: Uncertain significance for Developmental delay, hypotonia, musculoskeletal defects, and behavioral abnormalities; Floating-Harbor syndrome. Review status: criteria provided, single submitter. Criteria: ACMG Guidelines, 2015. Collection method: clinical testing. Allele origin: germline.
Comment: Absent from controls (or at extremely low frequency if recessive) in Genome Aggregation Database.;Missense variant in a gene that has a low rate of benign missense variation.;Multiple lines of computational evidence suggest no impact on gene or gene product.

NM_006662.3(SRCAP):c.9236G>A (p.Arg3079Gln)

Gene: SRCAP (Snf2 related CREBBP activator protein; plus strand). Cytogenetic location: 16p11.2.
Variant type: single nucleotide variant.
Coding change: c.9236G>A on transcript NM_006662.3 (MANE Select); coding-DNA position 9236, G replaced by A.
Protein change: p.Arg3079Gln; replaces arginine 3079 with glutamine.
Molecular consequence: missense variant.
Genome position (GRCh38, 1-based): chr16:30,739,276, G>A. VCF-style: chr16-30739276-G-A. GRCh37 (hg19) VCF-style: chr16-30750597-G-A.
Other names: short protein forms R3079Q.
Identifiers: ClinVar variation 1929412 (VCV001929412.9), dbSNP rs773525515, ClinGen allele CA8012872.